The following is an entry in ClinVar:

NM_001039591.3(USP9X):c.1922C>A (p.Thr641Asn)

Gene: USP9X (ubiquitin specific peptidase 9 X-linked; plus strand). Cytogenetic location: Xp11.4.
Variant type: single nucleotide variant.
Coding change: c.1922C>A on transcript NM_001039591.3 (MANE Select); coding-DNA position 1922, C replaced by A.
Protein change: p.Thr641Asn; replaces threonine 641 with asparagine.
Molecular consequence: missense variant.
Genome position (GRCh38, 1-based): chrX:41,162,814, C>A. VCF-style: chrX-41162814-C-A. GRCh37 (hg19) VCF-style: chrX-41022067-C-A.
Other names: NC_000023.10:g.41022067C>A; c.1922C>A, p.Thr641Asn (NM_001039590.3); short protein forms T641N.
Identifiers: ClinVar variation 1311863 (VCV001311863.3), dbSNP rs2147106107, ClinGen allele CA412750408.

ClinVar aggregate classification (germline): Uncertain significance (1 of 4 stars; one submission).

Submissions (2):

GeneDx
Classification: Uncertain significance. Last evaluated: 2020-01-06. Review status: criteria provided, single submitter. Criteria: GeneDx Variant Classification Process June 2021. Collection method: clinical testing. Allele origin: germline. Affected: yes.
Comment: Not observed in large population cohorts (Lek et al., 2016); In silico analysis, which includes protein predictors and evolutionary conservation, supports that this variant does not alter protein structure/function; Has not been previously published as pathogenic or benign to our knowledge

Dr. Peter K. Rogan Lab, Western University
No classification provided (evidence only). Condition: Thyroid cancer, nonmedullary, 1. Review status: no classification provided. Collection method: in vitro. Allele origin: not applicable. Functional consequence: retained intron. Not counted in ClinVar's aggregate classification.